The following is an entry in ClinVar:

ClinVar aggregate classification (germline): Uncertain significance (1 of 4 stars; one submission).

Allele frequency attached by ClinVar (database versions not stated): gnomAD exomes below 0.00001.

Submission:

Labcorp Genetics (formerly Invitae), Labcorp
Classification: Uncertain significance. Last evaluated: 2020-07-24. Review status: criteria provided, single submitter. Criteria: Invitae Variant Classification Sherloc (09022015). Collection method: clinical testing. Allele origin: germline.
Comment: In summary, the available evidence is currently insufficient to determine the role of this variant in disease. Therefore, it has been classified as a Variant of Uncertain Significance. Algorithms developed to predict the effect of missense changes on protein structure and function are either unavailable or do not agree on the potential impact of this missense change (SIFT: "Tolerated"; PolyPhen-2: "Possibly Damaging"; Align-GVGD: "Class C0"). This variant has not been reported in the literature in individuals with PLEKHM2-related conditions. This variant is not present in population databases (ExAC no frequency). This sequence change replaces lysine with asparagine at codon 122 of the PLEKHM2 protein (p.Lys122Asn). The lysine residue is highly conserved and there is a moderate physicochemical difference between lysine and asparagine.

NM_015164.4(PLEKHM2):c.366G>C (p.Lys122Asn)

Gene: PLEKHM2 (pleckstrin homology and RUN domain containing M2; plus strand). Cytogenetic location: 1p36.21.
Variant type: single nucleotide variant.
Coding change: c.366G>C on transcript NM_015164.4 (MANE Select); coding-DNA position 366, G replaced by C.
Protein change: p.Lys122Asn; replaces lysine 122 with asparagine.
Molecular consequence: missense variant.
Genome position (GRCh38, 1-based): chr1:15,717,981, G>C. VCF-style: chr1-15717981-G-C. GRCh37 (hg19) VCF-style: chr1-16044476-G-C.
Other names: short protein forms K122N.
Identifiers: ClinVar variation 961073 (VCV000961073.9), dbSNP rs1315618796, ClinGen allele CA338579354.